The following is an entry in ClinVar:

ClinVar aggregate classification (germline): Uncertain significance (1 of 4 stars; one submission).

Submission:

Labcorp Genetics (formerly Invitae), Labcorp
Classification: Uncertain significance. Last evaluated: 2024-03-11. Review status: criteria provided, single submitter. Criteria: Invitae Variant Classification Sherloc (09022015). Collection method: clinical testing. Allele origin: germline.
Comment: This sequence change replaces tyrosine, which is neutral and polar, with cysteine, which is neutral and slightly polar, at codon 492 of the TNNI3K protein (p.Tyr492Cys). This variant is not present in population databases (gnomAD no frequency). This variant has not been reported in the literature in individuals affected with TNNI3K-related conditions. Algorithms developed to predict the effect of missense changes on protein structure and function output the following: SIFT: "Not Available"; PolyPhen-2: "Benign"; Align-GVGD: "Not Available". The cysteine amino acid residue is found in multiple mammalian species, which suggests that this missense change does not adversely affect protein function. In summary, the available evidence is currently insufficient to determine the role of this variant in disease. Therefore, it has been classified as a Variant of Uncertain Significance.

NM_015978.3(TNNI3K):c.1475A>G (p.Tyr492Cys)

Genes: FPGT-TNNI3K (FPGT-TNNI3K readthrough; plus strand), TNNI3K (TNNI3 interacting kinase; plus strand). Cytogenetic location: 1p31.1.
Variant type: single nucleotide variant.
Coding change: c.1475A>G on transcript NM_015978.3 (MANE Select); coding-DNA position 1475, A replaced by G.
Protein change: p.Tyr492Cys; replaces tyrosine 492 with cysteine.
Molecular consequence: missense variant.
Genome position (GRCh38, 1-based): chr1:74,369,393, A>G. VCF-style: chr1-74369393-A-G. GRCh37 (hg19) VCF-style: chr1-74835077-A-G.
Other names: c.1778A>G, p.Tyr593Cys (NM_001112808.3, NM_001199327.2); short protein forms Y492C, Y593C.
Identifiers: ClinVar variation 3632090 (VCV003632090.2).